The following is an entry in ClinVar:

ClinVar aggregate classification (germline): Benign/Likely benign. Review status: criteria provided, multiple submitters, no conflicts (2 of 4 stars). 4 submissions from 4 submitters: Benign (1); Likely benign (3). Last evaluated 2026-01-28.

Conditions:
Severe intellectual disability-poor language-strabismus-grimacing face-long fingers syndrome (GAND). Also called: GAND SYNDROME. Identifiers: Orphanet 363686, MedGen C3554448, MONDO:0014034, OMIM 615074.

Allele frequency attached by ClinVar (database versions not stated): ESP Exome Variant Server 0.00008; 1000 Genomes Project 30x 0.00016; 1000 Genomes Project 0.00020; ExAC 0.00026; gnomAD exomes 0.00032 and 0.00035; gnomAD 0.00036 and 0.00037; TOPMed 0.00040.
gnomAD v4.1: 574 of 1,614,042 alleles (0.036%); highest among the groups gnomAD compares: Admixed American, 0.048%; no homozygotes.

Submissions (4):

Labcorp Genetics (formerly Invitae), Labcorp
Classification: Likely benign. Last evaluated: 2026-01-28. Review status: criteria provided, single submitter. Criteria: Invitae Variant Classification Sherloc (09022015). Collection method: clinical testing. Allele origin: germline.

CeGaT Center for Human Genetics Tuebingen
Classification: Likely benign. Last evaluated: 2025-12-01. Review status: criteria provided, single submitter. Criteria: CeGaT Center For Human Genetics Tuebingen Variant Classification Criteria Version 2. Collection method: clinical testing. Allele origin: germline. Affected: yes. Observed: 1 variant allele.
Comment: GATAD2B: BP4, BP7

Genome-Nilou Lab
Classification: Likely benign for Severe intellectual disability-poor language-strabismus-grimacing face-long fingers syndrome. Last evaluated: 2023-04-11. Review status: criteria provided, single submitter. Criteria: ACMG Guidelines, 2015. Collection method: clinical testing. Allele origin: germline. Affected: no.

GeneDx
Classification: Benign. Last evaluated: 2021-06-07. Review status: criteria provided, single submitter. Criteria: GeneDx Variant Classification Process June 2021. Collection method: clinical testing. Allele origin: germline. Affected: yes.

NM_020699.4(GATAD2B):c.240C>T (p.Asn80=)

Gene: GATAD2B (GATA zinc finger domain containing 2B; minus strand). Cytogenetic location: 1q21.3.
Variant type: single nucleotide variant.
Coding change: c.240C>T on transcript NM_020699.4 (MANE Select); coding-DNA position 240, C replaced by T.
Protein change: p.Asn80=; no amino-acid change (asparagine 80 retained).
Molecular consequence: synonymous variant.
Genome position (GRCh38, 1-based): chr1:153,828,108, G>A on the plus strand (C>T on the coding strand, the complement: GATAD2B is on the minus strand). VCF-style: chr1-153828108-G-A. GRCh37 (hg19) VCF-style: chr1-153800584-G-A.
Identifiers: ClinVar variation 738686 (VCV000738686.17), dbSNP rs180690623, ClinGen allele CA1120910.
Genomic context (GRCh38, chr1:153,828,108, plus strand): 5'-GATGTTTTCTTTGCCTGGCCTTCCAGCAGTCCTGTTGTCTCCATGAGGCCTGAGATTCCC[G>A]TTAAGTTTTTCTTCATAGCCCTTGACACCACTGCCATCCTGTTTGGTGGGTAACTCATGT-3'
Protein context (NP_065750.1, residues 70-90): SGVKGYEEKL[Asn80=]GNLRPHGDNR